The following is an entry in ClinVar:

ClinVar aggregate classification (germline): Uncertain significance (1 of 4 stars; one submission).

Conditions:
Atrial fibrillation, familial, 11 (ATFB11). Identifiers: MedGen C3279693, MONDO:0013544, OMIM 614049.
Atrial standstill 1 (ATRST1). Also called: Atrial standstill, digenic (GJA5/SCN5A); ATRIAL CARDIOMYOPATHY WITH HEART BLOCK; CARDIOMYOPATHY, FAMILIAL, WITH CONDUCTION DISTURBANCE. Identifiers: Orphanet 1344, MedGen C4551959, MONDO:0007171, OMIM 108770.

Submission:

Labcorp Genetics (formerly Invitae), Labcorp
Classification: Uncertain significance for Atrial fibrillation, familial, 11; Atrial standstill 1. Last evaluated: 2021-12-03. Review status: criteria provided, single submitter. Criteria: Invitae Variant Classification Sherloc (09022015). Collection method: clinical testing. Allele origin: germline.
Comment: In summary, the available evidence is currently insufficient to determine the role of this variant in disease. Therefore, it has been classified as a Variant of Uncertain Significance. This sequence change replaces threonine, which is neutral and polar, with alanine, which is neutral and non-polar, at codon 161 of the GJA5 protein (p.Thr161Ala). This variant is not present in population databases (gnomAD no frequency). This variant has not been reported in the literature in individuals affected with GJA5-related conditions. Algorithms developed to predict the effect of missense changes on protein structure and function are either unavailable or do not agree on the potential impact of this missense change (SIFT: "Not Available"; PolyPhen-2: "Benign"; Align-GVGD: "Not Available").

NM_181703.4(GJA5):c.481A>G (p.Thr161Ala)

Gene: GJA5 (gap junction protein alpha 5; minus strand). Cytogenetic location: 1q21.2.
Variant type: single nucleotide variant.
Coding change: c.481A>G on transcript NM_181703.4 (MANE Select); coding-DNA position 481, A replaced by G.
Protein change: p.Thr161Ala; replaces threonine 161 with alanine.
Molecular consequence: missense variant.
Genome position (GRCh38, 1-based): chr1:147,758,758, T>C on the plus strand (A>G on the coding strand, the complement: GJA5 is on the minus strand). VCF-style: chr1-147758758-T-C. GRCh37 (hg19) VCF-style: chr1-147230866-T-C.
Other names: c.481A>G, p.Thr161Ala (NM_005266.7); short protein forms T161A.
Identifiers: ClinVar variation 1506957 (VCV001506957.6), dbSNP rs2148959150, ClinGen allele CA342396026.
Genomic context (GRCh38, chr1:147,758,758, plus strand): 5'-TGGTCAGGAAGATTCCGTAGATGAAGTACTGGCCCACAATGAAGCCCACCTCCATGGTGG[T>C]GCGGATCAGGATGCTGCACACATAGGTGTTGAGCAGAGTGCCCTGGAGGGCAATCCTTCC-3'
Protein context (NP_859054.1, residues 151-171): NTYVCSILIR[Thr161Ala]TMEVGFIVGQ